The following is an entry in ClinVar:

NM_006231.4(POLE):c.4288C>T (p.Gln1430Ter)

Gene: POLE (DNA polymerase epsilon, catalytic subunit; minus strand). Cytogenetic location: 12q24.33.
Variant type: single nucleotide variant.
Coding change: c.4288C>T on transcript NM_006231.4 (MANE Select); coding-DNA position 4288, C replaced by T.
Protein change: p.Gln1430Ter; replaces glutamine 1430 with a stop codon.
Molecular consequence: nonsense.
Genome position (GRCh38, 1-based): chr12:132,643,839, G>A on the plus strand (C>T on the coding strand, the complement: POLE is on the minus strand). VCF-style: chr12-132643839-G-A. GRCh37 (hg19) VCF-style: chr12-133220425-G-A.
Other names: short protein forms Q1430*.
Identifiers: ClinVar variation 824755 (VCV000824755.5), dbSNP rs1593735770, ClinGen allele CA387381743.

ClinVar aggregate classification (germline): Uncertain significance (1 of 4 stars; one submission).

Conditions:
Hereditary cancer-predisposing syndrome. Also called: Neoplastic Syndromes, Hereditary; Tumor predisposition; Hereditary neoplastic syndrome; Hereditary Cancer Syndrome. Identifiers: Orphanet 140162, MedGen C0027672, MeSH D009386, MONDO:0015356.

Submission:

Ambry Genetics
Classification: Uncertain significance for Hereditary cancer-predisposing syndrome. Last evaluated: 2025-01-14. Review status: criteria provided, single submitter. Criteria: Ambry Variant Classification Scheme 2023. Collection method: clinical testing. Allele origin: germline.
Comment: The p.Q1430* variant (also known as c.4288C>T), located in coding exon 33 of the POLE gene, results from a C to T substitution at nucleotide position 4288. This changes the amino acid from a glutamine to a stop codon within coding exon 33. This alteration is expected to result in loss of function by premature protein truncation or nonsense-mediated mRNA decay. Loss-of-function variants subject to nonsense mediated decay (NMD) in POLE are known to cause POLE deficiency; however, such associations with POLE-related polymerase proofreading-associated polyposis (PPAP) have not been reported. Based on the supporting evidence, this alteration is pathogenic for POLE deficiency; however, the association of this alteration with POLE-related polymerase proofreading-associated polyposis (PPAP) is unknown.